The following is an entry in ClinVar:

ClinVar aggregate classification (germline): Uncertain significance (1 of 4 stars; one submission).

Allele frequency attached by ClinVar (database versions not stated): gnomAD 0.00002; TOPMed 0.00003.
gnomAD v4.1: 35 of 1,613,338 alleles (0.0022%); highest among the groups gnomAD compares: Admixed American, 0.0083%; no homozygotes.

Submission:

Labcorp Genetics (formerly Invitae), Labcorp
Classification: Uncertain significance. Last evaluated: 2024-02-27. Review status: criteria provided, single submitter. Criteria: Invitae Variant Classification Sherloc (09022015). Collection method: clinical testing. Allele origin: germline.
Comment: This sequence change replaces arginine, which is basic and polar, with glutamine, which is neutral and polar, at codon 503 of the UBR1 protein (p.Arg503Gln). This variant is present in population databases (rs774341055, gnomAD 0.009%). This variant has not been reported in the literature in individuals affected with UBR1-related conditions. ClinVar contains an entry for this variant (Variation ID: 1345689). Advanced modeling of protein sequence and biophysical properties (such as structural, functional, and spatial information, amino acid conservation, physicochemical variation, residue mobility, and thermodynamic stability) performed at Invitae indicates that this missense variant is not expected to disrupt UBR1 protein function with a negative predictive value of 80%. In summary, the available evidence is currently insufficient to determine the role of this variant in disease. Therefore, it has been classified as a Variant of Uncertain Significance.

NM_174916.3(UBR1):c.1508G>A (p.Arg503Gln)

Gene: UBR1 (ubiquitin protein ligase E3 component n-recognin 1; minus strand). Cytogenetic location: 15q15.2.
Variant type: single nucleotide variant.
Coding change: c.1508G>A on transcript NM_174916.3 (MANE Select); coding-DNA position 1508, G replaced by A.
Protein change: p.Arg503Gln; replaces arginine 503 with glutamine.
Molecular consequence: missense variant.
Genome position (GRCh38, 1-based): chr15:43,048,423, C>T on the plus strand (G>A on the coding strand, the complement: UBR1 is on the minus strand). VCF-style: chr15-43048423-C-T. GRCh37 (hg19) VCF-style: chr15-43340621-C-T.
Other names: short protein forms R503Q.
Identifiers: ClinVar variation 1345689 (VCV001345689.6), dbSNP rs774341055, ClinGen allele CA7518716.